The following is an entry in ClinVar:

ClinVar aggregate classification (germline): Conflicting classifications of pathogenicity. Review status: criteria provided, conflicting classifications (1 of 4 stars). 4 submissions from 4 submitters: Uncertain significance (2); Likely benign (2). Last evaluated 2025-10-20.

Conditions:
Hereditary cancer-predisposing syndrome. Also called: Neoplastic Syndromes, Hereditary; Tumor predisposition; Hereditary neoplastic syndrome; Hereditary Cancer Syndrome. Identifiers: Orphanet 140162, MedGen C0027672, MeSH D009386, MONDO:0015356.
Multiple endocrine neoplasia, type 1 (MEN1). Also called: MEN I; WERMER SYNDROME; Endocrine adenomatosis multiple; MEN 1; MEA I. Identifiers: Orphanet 652, MedGen C0025267, MeSH D018761, MONDO:0007540, OMIM 131100.

Allele frequency attached by ClinVar (database versions not stated): gnomAD exomes below 0.00001 and 0.00002; TOPMed 0.00001.

Submissions (4):

Labcorp Genetics (formerly Invitae), Labcorp
Classification: Likely benign for Multiple endocrine neoplasia, type 1. Last evaluated: 2025-10-20. Review status: criteria provided, single submitter. Criteria: Invitae Variant Classification Sherloc (09022015). Collection method: clinical testing. Allele origin: germline.

All of Us Research Program, National Institutes of Health
Classification: Uncertain significance for Multiple endocrine neoplasia, type 1. Last evaluated: 2024-03-05. Review status: criteria provided, single submitter. Criteria: ACMG Guidelines, 2015. Collection method: clinical testing. Allele origin: germline. Inheritance: Autosomal dominant inheritance. Observed: 5 variant alleles, 5 heterozygotes.
Comment: This missense variant replaces alanine with valine at codon 100 of the MEN1 protein. Computational prediction suggests that this variant may have deleterious impact on protein structure and function (internally defined REVEL score threshold >= 0.7, PMID: 27666373). To our knowledge, functional studies have not been reported for this variant. This variant has not been reported in individuals affected with MEN1-related disorders in the literature. This variant has been identified in 4/250752 chromosomes in the general population by the Genome Aggregation Database (gnomAD). The available evidence is insufficient to determine the role of this variant in disease conclusively. Therefore, this variant is classified as a Variant of Uncertain Significance.

This study involves interpretation of variants in research participants for the purpose of population health screening. Participant phenotype was not available at the time of variant classification. Additional details can be found in publication PMID: 35346344, PMCID: PMC8962531

Ambry Genetics
Classification: Likely benign for Hereditary cancer-predisposing syndrome. Last evaluated: 2022-02-22. Review status: criteria provided, single submitter. Criteria: Ambry Variant Classification Scheme 2023. Collection method: clinical testing. Allele origin: germline.

PreventionGenetics, part of Exact Sciences
Classification: Uncertain significance. Last evaluated: 2017-05-10. Review status: criteria provided, single submitter. Criteria: ACMG Guidelines, 2015. Collection method: clinical testing. Allele origin: germline.

NM_001370259.2(MEN1):c.299C>T (p.Ala100Val)

Gene: MEN1 (menin 1; minus strand). Cytogenetic location: 11q13.1.
Variant type: single nucleotide variant.
Coding change: c.299C>T on transcript NM_001370259.2 (MANE Select); coding-DNA position 299, C replaced by T.
Protein change: p.Ala100Val; replaces alanine 100 with valine.
Molecular consequence: missense variant.
Genome position (GRCh38, 1-based): chr11:64,809,811, G>A on the plus strand (C>T on the coding strand, the complement: MEN1 is on the minus strand). VCF-style: chr11-64809811-G-A. GRCh37 (hg19) VCF-style: chr11-64577283-G-A.
Other names: c.299C>T, p.Ala100Val (NM_000244.4, NM_001370251.2, NM_001370260.2 and 9 more transcripts); short protein forms A100V.
Identifiers: ClinVar variation 527286 (VCV000527286.17), dbSNP rs998337367, ClinGen allele CA223917061.
Genomic context (GRCh38, chr11:64,809,811, plus strand): 5'-TTCTTCACCAGCTCACGGCTGGAGACACCCCCTTCTCGAGGATAGAGGGACAGGTCGACG[G>A]CGCCTCGGATCTGGGCGGTGAAGCGGGCATAGAGGGCGGCGATGATAGACAGGTCGGCCA-3'
Protein context (NP_001357188.2, residues 90-110): YARFTAQIRG[Ala100Val]VDLSLYPREG